The following is an entry in ClinVar:

NM_001363711.2(DUOX2):c.1464del (p.Leu489fs)

Gene: DUOX2 (dual oxidase 2; minus strand). Cytogenetic location: 15q21.1.
Variant type: Deletion.
Coding change: c.1464del on transcript NM_001363711.2 (MANE Select); coding-DNA position 1464, one base deleted (G; older notation c.1464delG).
Protein change: p.Leu489fs; shifts the reading frame from leucine 489.
Molecular consequence: frameshift variant.
Genome position (GRCh38, 1-based): chr15:45,108,157, C deleted on the plus strand (G on the coding strand, the reverse complement: DUOX2 is on the minus strand); the first of 6 consecutive C bases (chr15:45,108,157-45,108,162); deleting any one gives the same sequence. VCF-style (leftmost placement, unchanged base first): chr15-45108156-GC-G. GRCh37 (hg19) VCF-style: chr15-45400354-GC-G.
Other names: c.1464del, p.Leu489fs (NM_014080.5); c.1464del (NM_014080.4); short protein forms L489fs.
Identifiers: ClinVar variation 3577197 (VCV003577197.3).
Genomic context (GRCh38, chr15:45,108,156, plus strand): 5'-CAAACTGGTCGAGGACAATGGCACTGAACAGGGGTCCAGGGTCCCCATGGCTCTCCAGGA[GC>G]CCCCCAAGGAGCAGCTCTAGCTGGGATAGGTCCTGGTTGTACAGGGCAGCTGTGGCCTCC-3'

ClinVar aggregate classification (germline): Pathogenic/Likely pathogenic. Review status: criteria provided, multiple submitters, no conflicts (2 of 4 stars). 2 submissions from 2 submitters: Pathogenic (1); Likely pathogenic (1). Last evaluated 2025-06-22.

Conditions:
Thyroid dyshormonogenesis 6 (TDH6). Also called: HYPOTHYROIDISM, CONGENITAL, DUE TO DYSHORMONOGENESIS, 6; THYROID HORMONOGENESIS, GENETIC DEFECT IN, 6; Genetic transient congenital hypothyroidism. Identifiers: Orphanet 226316, Orphanet 95716, MedGen C1846632, MONDO:0011792, OMIM 607200.

Submissions (2):

Labcorp Genetics (formerly Invitae), Labcorp
Classification: Pathogenic. Last evaluated: 2025-06-22. Review status: criteria provided, single submitter. Criteria: Invitae Variant Classification Sherloc (09022015). Collection method: clinical testing. Allele origin: germline.
Comment: This sequence change creates a premature translational stop signal (p.Leu489Serfs*97) in the DUOX2 gene. It is expected to result in an absent or disrupted protein product. Loss-of-function variants in DUOX2 are known to be pathogenic (PMID: 12110737, 18765513, 21565790, 24423310, 24735383). This variant is present in population databases (no rsID available, gnomAD 0.0009%). This variant has not been reported in the literature in individuals affected with DUOX2-related conditions. ClinVar contains an entry for this variant (Variation ID: 3577197). For these reasons, this variant has been classified as Pathogenic.

Fulgent Genetics
Classification: Likely pathogenic for Thyroid dyshormonogenesis 6. Last evaluated: 2024-05-09. Review status: criteria provided, single submitter. Criteria: ACMG Guidelines, 2015. Collection method: clinical testing. Allele origin: germline.

Literature cited by the submitters: PubMed 12110737 (cited by Labcorp Genetics (formerly Invitae), Labcorp); PubMed 18765513 (cited by Labcorp Genetics (formerly Invitae), Labcorp); PubMed 21565790 (cited by Labcorp Genetics (formerly Invitae), Labcorp); PubMed 24423310 (cited by Labcorp Genetics (formerly Invitae), Labcorp); PubMed 24735383 (cited by Labcorp Genetics (formerly Invitae), Labcorp).